The following is an entry in ClinVar:

ClinVar aggregate classification (germline): Uncertain significance (1 of 4 stars; one submission).

Conditions:
Imerslund-Grasbeck syndrome. Also called: Megaloblastic anemia due to inborn errors of metabolism; ENTEROCYTE COBALAMIN MALABSORPTION; ENTEROCYTE INTRINSIC FACTOR RECEPTOR, DEFECT OF; Imerslund-Gräsbeck syndrome; PERNICIOUS ANEMIA, JUVENILE, DUE TO SELECTIVE INTESTINAL MALABSORPTION OF VITAMIN B12, WITH PROTEINURIA. Identifiers: Orphanet 35858, MedGen C4551825, MONDO:0009853.

gnomAD v4.1: 6 of 1,613,926 alleles (0.00037%); highest among the groups gnomAD compares: Non-Finnish European, 0.00051%; no homozygotes.

Submission:

Labcorp Genetics (formerly Invitae), Labcorp
Classification: Uncertain significance for Imerslund-Grasbeck syndrome. Last evaluated: 2023-02-13. Review status: criteria provided, single submitter. Criteria: Invitae Variant Classification Sherloc (09022015). Collection method: clinical testing. Allele origin: germline.
Comment: This sequence change replaces serine, which is neutral and polar, with phenylalanine, which is neutral and non-polar, at codon 539 of the CUBN protein (p.Ser539Phe). This variant is present in population databases (no rsID available, gnomAD no frequency). This variant has not been reported in the literature in individuals affected with CUBN-related conditions. Advanced modeling of protein sequence and biophysical properties (such as structural, functional, and spatial information, amino acid conservation, physicochemical variation, residue mobility, and thermodynamic stability) performed at Invitae indicates that this missense variant is expected to disrupt CUBN protein function. In summary, the available evidence is currently insufficient to determine the role of this variant in disease. Therefore, it has been classified as a Variant of Uncertain Significance.

NM_001081.4(CUBN):c.1616C>T (p.Ser539Phe)

Gene: CUBN (cubilin; minus strand). Cytogenetic location: 10p13.
Variant type: single nucleotide variant.
Coding change: c.1616C>T on transcript NM_001081.4 (MANE Select); coding-DNA position 1616, C replaced by T.
Protein change: p.Ser539Phe; replaces serine 539 with phenylalanine.
Molecular consequence: missense variant.
Genome position (GRCh38, 1-based): chr10:17,100,154, G>A on the plus strand (C>T on the coding strand, the complement: CUBN is on the minus strand). VCF-style: chr10-17100154-G-A. GRCh37 (hg19) VCF-style: chr10-17142153-G-A.
Other names: short protein forms S539F.
Identifiers: ClinVar variation 2802113 (VCV002802113.3), dbSNP rs1434506811, ClinGen allele CA376157911.
Genomic context (GRCh38, chr10:17,100,154, plus strand): 5'-CTGAGGAGTTCATGAGGGAGGCTGGAGCCACAAAATCTTCCAAGTTGAAAAGCAGAAGAG[G>A]AATCTCCATCATAAACCTGAAGAAACTCGTGTGGACAGTTGTCCATGGATTCTAACCGGA-3'
Protein context (NP_001072.2, residues 529-549): HEFLQVYDGD[Ser539Phe]SSAFQLGRFC